The following is an entry in ClinVar:

ClinVar aggregate classification (germline): Uncertain significance. Review status: criteria provided, multiple submitters, no conflicts (2 of 4 stars). 3 submissions from 3 submitters: Uncertain significance (3). Last evaluated 2025-04-01.

Allele frequency attached by ClinVar (database versions not stated): TOPMed below 0.00001; gnomAD 0.00001; gnomAD exomes 0.00002 and 0.00003; ExAC 0.00004.
gnomAD v4.1: 37 of 1,612,998 alleles (0.0023%); highest among the groups gnomAD compares: South Asian, 0.012%; no homozygotes.

Submissions (3):

Labcorp Genetics (formerly Invitae), Labcorp
Classification: Uncertain significance. Last evaluated: 2025-04-01. Review status: criteria provided, single submitter. Criteria: Invitae Variant Classification Sherloc (09022015). Collection method: clinical testing. Allele origin: germline.
Comment: This sequence change replaces arginine, which is basic and polar, with tryptophan, which is neutral and slightly polar, at codon 859 of the WFS1 protein (p.Arg859Trp). This variant is present in population databases (rs372298367, gnomAD 0.02%). This variant has not been reported in the literature in individuals affected with WFS1-related conditions. ClinVar contains an entry for this variant (Variation ID: 1318606). Invitae Evidence Modeling of protein sequence and biophysical properties (such as structural, functional, and spatial information, amino acid conservation, physicochemical variation, residue mobility, and thermodynamic stability) indicates that this missense variant is not expected to disrupt WFS1 protein function with a negative predictive value of 95%. This variant disrupts the p.Arg859 amino acid residue in WFS1. Other variant(s) that disrupt this residue have been determined to be pathogenic (PMID: 18688868). This suggests that this residue is clinically significant, and that variants that disrupt this residue are likely to be disease-causing. In summary, the available evidence is currently insufficient to determine the role of this variant in disease. Therefore, it has been classified as a Variant of Uncertain Significance.

Blueprint Genetics
Classification: Uncertain significance. Last evaluated: 2024-06-27. Review status: criteria provided, single submitter. Criteria: ACMG Guidelines, 2015. Collection method: clinical testing. Allele origin: germline.

GeneDx
Classification: Uncertain significance. Last evaluated: 2020-04-07. Review status: criteria provided, single submitter. Criteria: GeneDx Variant Classification Process June 2021. Collection method: clinical testing. Allele origin: germline. Affected: yes.
Comment: Not observed at a significant frequency in large population cohorts (Lek et al., 2016); In silico analysis supports that this missense variant has a deleterious effect on protein structure/function; Has not been previously published in association with disease to our knowledge; This variant is associated with the following publications: (PMID: 26435059)

Literature cited by the submitters: PubMed 18688868 (cited by Labcorp Genetics (formerly Invitae), Labcorp).

NM_006005.3(WFS1):c.2575C>T (p.Arg859Trp)

Gene: WFS1 (wolframin ER transmembrane glycoprotein; plus strand). Cytogenetic location: 4p16.1.
Variant type: single nucleotide variant.
Coding change: c.2575C>T on transcript NM_006005.3 (MANE Select); coding-DNA position 2575, C replaced by T.
Protein change: p.Arg859Trp; replaces arginine 859 with tryptophan.
Molecular consequence: missense variant.
Genome position (GRCh38, 1-based): chr4:6,302,370, C>T. VCF-style: chr4-6302370-C-T. GRCh37 (hg19) VCF-style: chr4-6304097-C-T.
Other names: c.2575C>T, p.Arg859Trp (NM_001145853.1); short protein forms R859W.
Identifiers: ClinVar variation 1318606 (VCV001318606.9), dbSNP rs372298367, ClinGen allele CA2839786.